The following is an entry in ClinVar:

ClinVar aggregate classification (germline): Uncertain significance. Review status: criteria provided, multiple submitters, no conflicts (2 of 4 stars). 2 submissions from 2 submitters: Uncertain significance (2). Last evaluated 2022-03-18.

Conditions:
Cardiomyopathy (CMYO). Also called: Cardiomyopathies. Identifiers: Orphanet 167848, MedGen C0878544, MONDO:0004994, HP:0001638. Inheritance: Various modes of inheritance.
Catecholaminergic polymorphic ventricular tachycardia 1. Also called: VENTRICULAR TACHYCARDIA, CATECHOLAMINERGIC POLYMORPHIC, 1, WITH OR WITHOUT ATRIAL DYSFUNCTION AND/OR DILATED CARDIOMYOPATHY; RYR2-Related Catecholaminergic Polymorphic Ventricular Tachycardia; VENTRICULAR TACHYCARDIA, STRESS-INDUCED POLYMORPHIC 1. Identifiers: Orphanet 3286, MedGen C1631597, MONDO:0011484, OMIM 604772.

Allele frequency attached by ClinVar (database versions not stated): TOPMed below 0.00001.

Submissions (2):

Labcorp Genetics (formerly Invitae), Labcorp
Classification: Uncertain significance for Catecholaminergic polymorphic ventricular tachycardia 1. Last evaluated: 2022-03-18. Review status: criteria provided, single submitter. Criteria: Invitae Variant Classification Sherloc (09022015). Collection method: clinical testing. Allele origin: germline.
Comment: ClinVar contains an entry for this variant (Variation ID: 922514). In summary, the available evidence is currently insufficient to determine the role of this variant in disease. Therefore, it has been classified as a Variant of Uncertain Significance. Advanced modeling of protein sequence and biophysical properties (such as structural, functional, and spatial information, amino acid conservation, physicochemical variation, residue mobility, and thermodynamic stability) performed at Invitae indicates that this missense variant is expected to disrupt RYR2 protein function. This variant has not been reported in the literature in individuals affected with RYR2-related conditions. This variant is not present in population databases (gnomAD no frequency). This sequence change replaces valine, which is neutral and non-polar, with isoleucine, which is neutral and non-polar, at codon 75 of the RYR2 protein (p.Val75Ile).

Color Diagnostics, LLC DBA Color Health
Classification: Uncertain significance for Cardiomyopathy. Last evaluated: 2019-05-20. Review status: criteria provided, single submitter. Criteria: ACMG Guidelines, 2015. Collection method: clinical testing. Allele origin: germline.
Comment: This missense variant replaces valine with isoleucine at codon 75 of the RYR2 protein. Computational prediction tools and conservation analyses are inconclusive regarding the impact of this variant on the protein function. Computational splicing tools suggest that this variant may not impact RNA splicing. To our knowledge, functional assays have not been performed for this variant nor has this variant been reported in individuals affected with cardiovascular disorders in the literature. This variant has not been identified in the general population by the Genome Aggregation Database (gnomAD). Available evidence is insufficient to determine the role of this variant in disease conclusively. Therefore, this variant is classified as a Variant of Uncertain Significance.

NM_001035.3(RYR2):c.223G>A (p.Val75Ile)

Gene: RYR2 (ryanodine receptor 2; plus strand). Cytogenetic location: 1q43.
Variant type: single nucleotide variant.
Coding change: c.223G>A on transcript NM_001035.3 (MANE Select); coding-DNA position 223, G replaced by A.
Protein change: p.Val75Ile; replaces valine 75 with isoleucine.
Molecular consequence: missense variant.
Genome position (GRCh38, 1-based): chr1:237,330,932, G>A. VCF-style: chr1-237330932-G-A. GRCh37 (hg19) VCF-style: chr1-237494232-G-A.
Other names: short protein forms V75I.
Identifiers: ClinVar variation 922514 (VCV000922514.13), dbSNP rs868504232, ClinGen allele CA40003279.